The following is an entry in ClinVar:

NM_015141.4(GPD1L):c.692G>A (p.Arg231His)

Gene: GPD1L (glycerol-3-phosphate dehydrogenase 1 like; plus strand). Cytogenetic location: 3p22.3.
Variant type: single nucleotide variant.
Coding change: c.692G>A on transcript NM_015141.4 (MANE Select); coding-DNA position 692, G replaced by A.
Protein change: p.Arg231His; replaces arginine 231 with histidine.
Molecular consequence: missense variant.
Genome position (GRCh38, 1-based): chr3:32,158,949, G>A. VCF-style: chr3-32158949-G-A. GRCh37 (hg19) VCF-style: chr3-32200441-G-A.
Other names: short protein forms R231H.
Identifiers: ClinVar variation 222645 (VCV000222645.11), dbSNP rs869025436, ClinGen allele CA352111.

ClinVar aggregate classification (germline): Uncertain significance. Review status: criteria provided, multiple submitters, no conflicts (2 of 4 stars). 4 submissions from 4 submitters: Uncertain significance (4). Last evaluated 2025-10-08.

Conditions:
Cardiovascular phenotype. Identifiers: MedGen CN230736.
Brugada syndrome. Also called: Sudden unexplained nocturnal death syndrome; Sudden Unexplained Death Syndrome; Sudden Unexplained Nocturnal Death Syndrome (SUNDS); Sudden unexpected nocturnal death syndrome. Identifiers: Orphanet 130, MedGen C1142166, MONDO:0015263.

Allele frequency attached by ClinVar (database versions not stated): gnomAD 0.00001; gnomAD exomes 0.00001; TOPMed 0.00001.
gnomAD v4.1: 16 of 1,613,998 alleles (0.00099%); highest among the groups gnomAD compares: Admixed American, 0.0017%; no homozygotes.

Submissions (4):

Ambry Genetics
Classification: Uncertain significance for Cardiovascular phenotype. Last evaluated: 2025-10-08. Review status: criteria provided, single submitter. Criteria: Ambry Variant Classification Scheme 2023. Collection method: clinical testing. Allele origin: germline.

GeneDx
Classification: Uncertain significance. Last evaluated: 2025-04-29. Review status: criteria provided, single submitter. Criteria: GeneDx Variant Classification Process June 2021. Collection method: clinical testing. Allele origin: germline. Affected: yes.
Comment: Not observed at significant frequency in large population cohorts (gnomAD); In silico analysis supports that this missense variant has a deleterious effect on protein structure/function; Has not been previously published as pathogenic or benign to our knowledge

Blueprint Genetics
Classification: Uncertain significance. Last evaluated: 2023-01-20. Review status: criteria provided, single submitter. Criteria: ACMG Guidelines, 2015. Collection method: clinical testing. Allele origin: germline.

Labcorp Genetics (formerly Invitae), Labcorp
Classification: Uncertain significance for Brugada syndrome. Last evaluated: 2022-08-18. Review status: criteria provided, single submitter. Criteria: Invitae Variant Classification Sherloc (09022015). Collection method: clinical testing. Allele origin: germline.
Comment: This variant is present in population databases (no rsID available, gnomAD 0.003%). This sequence change replaces arginine, which is basic and polar, with histidine, which is basic and polar, at codon 231 of the GPD1L protein (p.Arg231His). This variant has not been reported in the literature in individuals affected with GPD1L-related conditions. In summary, the available evidence is currently insufficient to determine the role of this variant in disease. Therefore, it has been classified as a Variant of Uncertain Significance. Algorithms developed to predict the effect of missense changes on protein structure and function are either unavailable or do not agree on the potential impact of this missense change (SIFT: "Tolerated"; PolyPhen-2: "Probably Damaging"; Align-GVGD: "Class C0"). ClinVar contains an entry for this variant (Variation ID: 222645).